The following is an entry in ClinVar:

ClinVar aggregate classification (germline): Uncertain significance (1 of 4 stars; one submission).

Submission:

GeneDx
Classification: Uncertain significance. Last evaluated: 2026-07-10. Review status: criteria provided, single submitter. Criteria: GeneDx Variant Classification Process June 2021. Collection method: clinical testing. Allele origin: germline.
Comment: Not observed at significant frequency in large population cohorts (gnomAD); In silico analysis supports that this missense variant has a deleterious effect on protein structure/function; Has not been previously published as pathogenic or benign to our knowledge

NM_001379403.1(WDR26):c.1673G>A (p.Gly558Glu)

Gene: WDR26 (WD repeat domain 26; minus strand). Cytogenetic location: 1q42.12.
Variant type: single nucleotide variant.
Coding change: c.1673G>A on transcript NM_001379403.1 (MANE Select); coding-DNA position 1673, G replaced by A.
Protein change: p.Gly558Glu; replaces glycine 558 with glutamic acid.
Molecular consequence: missense variant.
Genome position (GRCh38, 1-based): chr1:224,400,996, C>T on the plus strand (G>A on the coding strand, the complement: WDR26 is on the minus strand). VCF-style: chr1-224400996-C-T. GRCh37 (hg19) VCF-style: chr1-224588698-C-T.
Other names: c.1325G>A, p.Gly442Glu (NM_001115113.3); c.1373G>A, p.Gly458Glu (NM_025160.7); short protein forms G442E, G458E, G558E.
Identifiers: ClinVar variation 2504897 (VCV002504897.2), dbSNP rs2464688237, ClinGen allele CA344747929.